The following is an entry in ClinVar:

NM_170707.4(LMNA):c.32G>T (p.Arg11Leu)

Genes: LMNA (lamin A/C; plus strand), LOC129931597 (ATAC-STARR-seq lymphoblastoid silent region 1421; plus strand). Cytogenetic location: 1q22.
Variant type: single nucleotide variant.
Coding change: c.32G>T on transcript NM_170707.4 (MANE Select); coding-DNA position 32, G replaced by T.
Protein change: p.Arg11Leu; replaces arginine 11 with leucine.
Molecular consequence: missense variant.
Genome position (GRCh38, 1-based): chr1:156,114,950, G>T. VCF-style: chr1-156114950-G-T. GRCh37 (hg19) VCF-style: chr1-156084741-G-T.
Other names: c.32G>T, p.Arg11Leu (NM_001282626.2, NM_005572.4, NM_170708.4 and 1 more transcripts); short protein forms R11L.
Identifiers: ClinVar variation 1014606 (VCV001014606.9), dbSNP rs1649700040, ClinGen allele CA342806869.
Genomic context (GRCh38, chr1:156,114,950, plus strand): 5'-CCGCGGGCAGCGCTGCCAACCTGCCGGCCATGGAGACCCCGTCCCAGCGGCGCGCCACCC[G>T]CAGCGGGGCGCAGGCCAGCTCCACTCCGCTGTCGCCCACCCGCATCACCCGGCTGCAGGA-3'
Protein context (NP_733821.1, residues 1-21): METPSQRRAT[Arg11Leu]SGAQASSTPL

ClinVar aggregate classification (germline): Uncertain significance (1 of 4 stars; one submission).

Conditions:
Charcot-Marie-Tooth disease type 2. Also called: Charcot-Marie-Tooth type 2. Identifiers: Orphanet 64746, MedGen C0270914, MONDO:0018993.

Submission:

Labcorp Genetics (formerly Invitae), Labcorp
Classification: Uncertain significance for Charcot-Marie-Tooth disease type 2. Last evaluated: 2020-07-02. Review status: criteria provided, single submitter. Criteria: Invitae Variant Classification Sherloc (09022015). Collection method: clinical testing. Allele origin: germline.
Comment: This sequence change replaces arginine with leucine at codon 11 of the LMNA protein (p.Arg11Leu). The arginine residue is highly conserved and there is a moderate physicochemical difference between arginine and leucine. In summary, the available evidence is currently insufficient to determine the role of this variant in disease. Therefore, it has been classified as a Variant of Uncertain Significance. Algorithms developed to predict the effect of missense changes on protein structure and function are either unavailable or do not agree on the potential impact of this missense change (SIFT: "Deleterious"; PolyPhen-2: "Benign"; Align-GVGD: "Class C65"). This variant has not been reported in the literature in individuals with LMNA-related conditions. This variant is not present in population databases (ExAC no frequency).